The following is an entry in ClinVar:

ClinVar aggregate classification (germline): Uncertain significance. Review status: criteria provided, multiple submitters, no conflicts (2 of 4 stars). 3 submissions from 3 submitters: Uncertain significance (3). Last evaluated 2025-08-23.

Conditions:
Inborn genetic diseases. Identifiers: MedGen C0950123, MeSH D030342.
2-aminoadipic 2-oxoadipic aciduria (AAKAD). Also called: Aminoadipic aciduria; ALPHA-AMINOADIPIC AND ALPHA-KETOADIPIC ACIDURIA. Identifiers: Orphanet 79154, MedGen C1859817, MONDO:0008774, OMIM 204750.

Allele frequency attached by ClinVar (database versions not stated): gnomAD exomes 0.00002 and 0.00006; ExAC 0.00003; TOPMed 0.00004; gnomAD 0.00005.
gnomAD v4.1: 93 of 1,613,958 alleles (0.0058%); highest among the groups gnomAD compares: African/African-American, 0.017%; no homozygotes.

Submissions (3):

Ambry Genetics
Classification: Uncertain significance for Inborn genetic diseases. Last evaluated: 2025-08-23. Review status: criteria provided, single submitter. Criteria: Ambry Variant Classification Scheme 2023. Collection method: clinical testing. Allele origin: germline.

Labcorp Genetics (formerly Invitae), Labcorp
Classification: Uncertain significance for 2-aminoadipic 2-oxoadipic aciduria. Last evaluated: 2024-12-02. Review status: criteria provided, single submitter. Criteria: Invitae Variant Classification Sherloc (09022015). Collection method: clinical testing. Allele origin: germline.
Comment: This sequence change replaces glycine, which is neutral and non-polar, with arginine, which is basic and polar, at codon 470 of the DHTKD1 protein (p.Gly470Arg). This variant is present in population databases (rs35898320, gnomAD 0.01%). This variant has not been reported in the literature in individuals affected with DHTKD1-related conditions. ClinVar contains an entry for this variant (Variation ID: 618591). Invitae Evidence Modeling of protein sequence and biophysical properties (such as structural, functional, and spatial information, amino acid conservation, physicochemical variation, residue mobility, and thermodynamic stability) indicates that this missense variant is not expected to disrupt DHTKD1 protein function with a negative predictive value of 80%. In summary, the available evidence is currently insufficient to determine the role of this variant in disease. Therefore, it has been classified as a Variant of Uncertain Significance.

ARUP Laboratories, Molecular Genetics and Genomics, ARUP Laboratories
Classification: Uncertain significance. Last evaluated: 2018-01-18. Review status: criteria provided, single submitter. Criteria: ARUP Molecular Germline Variant Investigation Process. Collection method: clinical testing. Allele origin: germline.
Comment: The p.Gly470Arg variant (rs35898320) has not been reported in the medical literature, gene specific variation databases, nor has it been previously identified by our laboratory. This variant is listed in the Genome Aggregation Database (gnomAD) with a frequency of 0.01 percent in the African population (identified on 3 out of 24,030 chromosomes). The glycine at position 470 is highly conserved up to bakerâ€™s yeast considering 11 species (Alamut v2.10) and computational analyses of the p.Gly470Arg variant on protein structure and function indicate a deleterious effect (SIFT: deleterious, MutationTaster: disease causing, PolyPhen-2: probably damaging). Altogether, there is not enough evidence to classify the p.Gly470Arg variant with certainty.

NM_018706.7(DHTKD1):c.1408G>A (p.Gly470Arg)

Gene: DHTKD1 (dehydrogenase E1 and transketolase domain containing 1; plus strand). Cytogenetic location: 10p14.
Variant type: single nucleotide variant.
Coding change: c.1408G>A on transcript NM_018706.7 (MANE Select); coding-DNA position 1408, G replaced by A.
Protein change: p.Gly470Arg; replaces glycine 470 with arginine.
Molecular consequence: missense variant.
Genome position (GRCh38, 1-based): chr10:12,097,733, G>A. VCF-style: chr10-12097733-G-A. GRCh37 (hg19) VCF-style: chr10-12139732-G-A.
Other names: c.1408G>A (NM_018706.5); short protein forms G470R.
Identifiers: ClinVar variation 618591 (VCV000618591.16), dbSNP rs35898320, ClinGen allele CA5407852.